The following is an entry in ClinVar:

ClinVar aggregate classification (germline): Uncertain significance (1 of 4 stars; one submission).

Conditions:
Lethal multiple pterygium syndrome (LMPS). Identifiers: Orphanet 33108, MedGen C1854678, MONDO:0009668, OMIM 253290.

Submission:

Labcorp Genetics (formerly Invitae), Labcorp
Classification: Uncertain significance for Lethal multiple pterygium syndrome. Last evaluated: 2023-10-23. Review status: criteria provided, single submitter. Criteria: Invitae Variant Classification Sherloc (09022015). Collection method: clinical testing. Allele origin: germline.
Comment: This sequence change replaces leucine, which is neutral and non-polar, with proline, which is neutral and non-polar, at codon 436 of the CHRNA1 protein (p.Leu436Pro). This variant is not present in population databases (gnomAD no frequency). This variant has not been reported in the literature in individuals affected with CHRNA1-related conditions. Advanced modeling of protein sequence and biophysical properties (such as structural, functional, and spatial information, amino acid conservation, physicochemical variation, residue mobility, and thermodynamic stability) performed at Invitae indicates that this missense variant is not expected to disrupt CHRNA1 protein function with a negative predictive value of 80%. In summary, the available evidence is currently insufficient to determine the role of this variant in disease. Therefore, it has been classified as a Variant of Uncertain Significance.

NM_000079.4(CHRNA1):c.1307T>C (p.Leu436Pro)

Gene: CHRNA1 (cholinergic receptor nicotinic alpha 1 subunit; minus strand). Cytogenetic location: 2q31.1.
Variant type: single nucleotide variant.
Coding change: c.1307T>C on transcript NM_000079.4 (MANE Select); coding-DNA position 1307, T replaced by C.
Protein change: p.Leu436Pro; replaces leucine 436 with proline.
Molecular consequence: missense variant.
Genome position (GRCh38, 1-based): chr2:174,748,191, A>G on the plus strand (T>C on the coding strand, the complement: CHRNA1 is on the minus strand). VCF-style: chr2-174748191-A-G. GRCh37 (hg19) VCF-style: chr2-175612919-A-G.
Other names: c.1382T>C, p.Leu461Pro (NM_001039523.3); short protein forms L436P, L461P.
Identifiers: ClinVar variation 2771436 (VCV002771436.3), dbSNP rs2468885829, ClinGen allele CA349333400.